The following is an entry in ClinVar:

NM_004176.5(SREBF1):c.1580G>A (p.Arg527His)

Gene: SREBF1 (sterol regulatory element binding transcription factor 1; minus strand). Cytogenetic location: 17p11.2.
Variant type: single nucleotide variant.
Coding change: c.1580G>A on transcript NM_004176.5 (MANE Select); coding-DNA position 1580, G replaced by A.
Protein change: p.Arg527His; replaces arginine 527 with histidine.
Molecular consequence: missense variant.
Genome position (GRCh38, 1-based): chr17:17,817,282, C>T on the plus strand (G>A on the coding strand, the complement: SREBF1 is on the minus strand). VCF-style: chr17-17817282-C-T. GRCh37 (hg19) VCF-style: chr17-17720596-C-T.
Other names: c.1670G>A, p.Arg557His (NM_001005291.3); c.1508G>A, p.Arg503His (NM_001321096.3); short protein forms R557H, R503H, R527H.
Identifiers: ClinVar variation 981495 (VCV000981495.7), dbSNP rs1428621525, ClinGen allele CA398564815.

ClinVar aggregate classification (germline): Likely pathogenic. Review status: criteria provided, single submitter (1 of 4 stars). 2 submissions from 2 submitters: Likely pathogenic (1). 1 of the submissions does not count toward it. Last evaluated 2022-08-03.

Conditions:
Hereditary mucoepithelial dysplasia (HMD). Also called: Urban-Schosser-Spohn syndrome. Identifiers: Orphanet 1839, MedGen C1274795, MONDO:0008017, OMIM 158310.

Submissions (2):

GeneDx
Classification: Likely pathogenic. Last evaluated: 2022-08-03. Review status: criteria provided, single submitter. Criteria: GeneDx Variant Classification Process June 2021. Collection method: clinical testing. Allele origin: germline. Affected: yes.
Comment: In silico analysis supports that this missense variant has a deleterious effect on protein structure/function; This variant is associated with the following publications: (PMID: 31790666)

OMIM
Classification: Pathogenic for MUCOEPITHELIAL DYSPLASIA, HEREDITARY. Last evaluated: 2021-02-03. Review status: no assertion criteria provided. Collection method: literature only. Allele origin: germline. Not counted in ClinVar's aggregate classification.

Literature cited by the submitters: PubMed 31790666 (cited by OMIM).